The following is an entry in ClinVar:

NM_001374828.1(ARID1B):c.4642dup (p.Tyr1548fs)

Gene: ARID1B (AT-rich interaction domain 1B; plus strand). Cytogenetic location: 6q25.3.
Variant type: Duplication.
Coding change: c.4642dup on transcript NM_001374828.1 (MANE Select); coding-DNA position 4642, one base duplicated (T; older notation c.4642dupT).
Protein change: p.Tyr1548fs; shifts the reading frame from tyrosine 1548.
Molecular consequence: frameshift variant.
Genome position (GRCh38, 1-based): chr6:157,200,867, T duplicated. VCF-style (leftmost placement, unchanged base first): chr6-157200866-G-GT. GRCh37 (hg19) VCF-style: chr6-157522000-G-GT.
Other names: c.4273dupT (NM_020732.3); c.2143dup, p.Tyr715fs (NM_001363725.2); c.4522dup, p.Tyr1508fs (NM_001371656.1, NM_001374820.1); c.4483dup, p.Tyr1495fs (NM_017519.3); short protein forms Y715fs, Y1495fs, Y1508fs, Y1548fs.
Identifiers: ClinVar variation 242866 (VCV000242866.4), dbSNP rs879253746, ClinGen allele CA10584014.

ClinVar aggregate classification (germline): Pathogenic. Review status: criteria provided, multiple submitters, no conflicts (2 of 4 stars). 3 submissions from 3 submitters: Pathogenic (3). Last evaluated 2021-07-15.

Conditions:
Thick lower lip vermilion. Identifiers: MedGen C1839739, HP:0000179.
Thin upper lip vermilion. Identifiers: MedGen C1865017, HP:0000219.
Long eyelashes. Identifiers: MedGen C1853738, HP:0000527.
Absent speech. Also called: Absent speech development. Identifiers: MedGen C1854882, HP:0001344.
Blepharophimosis. Also called: Blepharophimosis (disease). Identifiers: MedGen C0005744, MONDO:0001008, HP:0000581.
Moderate intellectual disability. Also called: Moderae intellectual disability; Moderate ID. Identifiers: MedGen C0026351, HP:0002342.
Coffin-Siris syndrome 1 (CSS1). Also called: ARID1B-Related Coffin-Siris Syndrome; Mental retardation, autosomal dominant 12. Identifiers: Orphanet 1465, MedGen C3281201, MONDO:0007617, OMIM 135900. Disease mechanism: gain of function.

Submissions (3):

Genome-Nilou Lab
Classification: Pathogenic for Coffin-Siris syndrome 1. Last evaluated: 2021-07-15. Review status: criteria provided, single submitter. Criteria: ACMG Guidelines, 2015. Collection method: clinical testing. Allele origin: germline. Affected: no.

GeneDx
Classification: Pathogenic. Last evaluated: 2016-11-03. Review status: criteria provided, single submitter. Criteria: GeneDx Variant Classification (06012015). Collection method: clinical testing. Allele origin: germline. Affected: yes.
Comment: The c.4273dupT pathogenic variant in the ARID1B gene has been reported previously as a de novo variant in an individual with intellectual disability, absent speech, and dysmorphic features (Sim et al., 2014). The duplication causes a frameshift starting with codon Tyrosine 1425, changes this amino acid to a Leucine residue and creates a premature Stop codon at position 34 of the new reading frame, denoted p.Tyr1425LeufsX34. This variant is predicted to cause loss of normal protein function either through protein truncation or nonsense-mediated mRNA decay. It was not observed in approximately 6,500 individuals of European and African American ancestry in the NHLBI Exome Sequencing Project, indicating it is not a common benign variant in these populations.

Lupski Lab, Baylor-Hopkins CMG, Baylor College of Medicine
Classification: Pathogenic for Moderate intellectual disability; Absent speech; Blepharophimosis; Long eyelashes; Thin upper lip vermilion; Thick lower lip vermilion. Last evaluated: 2014-03-27. Review status: criteria provided, single submitter. Criteria: Sim et al. (Orphanet J Rare Dis. 2014). Collection method: clinical testing. Allele origin: de novo. Inheritance: Autosomal dominant inheritance. Affected: yes. Observed: 1 variant allele, 1 heterozygote.